The following is an entry in ClinVar:

NM_015650.4(TRAF3IP1):c.68_69delinsTA (p.Thr23Ile)

Gene: TRAF3IP1 (TRAF3 interacting protein 1; plus strand). Cytogenetic location: 2q37.3.
Variant type: Indel.
Coding change: c.68_69delinsTA on transcript NM_015650.4 (MANE Select); coding-DNA positions 68 to 69, CC replaced by TA.
Protein change: p.Thr23Ile; replaces threonine 23 with isoleucine.
Molecular consequence: missense variant.
Genome position (GRCh38, 1-based): chr2:238,320,730-238,320,731, CC replaced by TA. VCF-style: chr2-238320730-CC-TA. GRCh37 (hg19) VCF-style: chr2-239229371-CC-TA.
Other names: c.68_69delinsTA, p.Thr23Ile (NM_001139490.1); short protein forms T23I.
Identifiers: ClinVar variation 954315 (VCV000954315.8), dbSNP rs1697483113, ClinGen allele CA1139657797.

ClinVar aggregate classification (germline): Uncertain significance (1 of 4 stars; one submission).

Submission:

Labcorp Genetics (formerly Invitae), Labcorp
Classification: Uncertain significance. Last evaluated: 2024-02-23. Review status: criteria provided, single submitter. Criteria: Invitae Variant Classification Sherloc (09022015). Collection method: clinical testing. Allele origin: germline.
Comment: This sequence change replaces threonine, which is neutral and polar, with isoleucine, which is neutral and non-polar, at codon 23 of the TRAF3IP1 protein (p.Thr23Ile). The frequency data for this variant in the population databases is considered unreliable, as metrics indicate poor data quality at this position in the gnomAD database. This variant has not been reported in the literature in individuals affected with TRAF3IP1-related conditions. ClinVar contains an entry for this variant (Variation ID: 954315). An algorithm developed to predict the effect of missense changes on protein structure and function (PolyPhen-2) suggests that this variant is likely to be disruptive. In summary, the available evidence is currently insufficient to determine the role of this variant in disease. Therefore, it has been classified as a Variant of Uncertain Significance.